The following is an entry in ClinVar:

ClinVar aggregate classification (germline): Pathogenic (1 of 4 stars; one submission).

Conditions:
Fanconi anemia (FA). Also called: Fanconi's anemia. Identifiers: Orphanet 84, MedGen C0015625, MeSH D005199, MONDO:0019391.

Submission:

Labcorp Genetics (formerly Invitae), Labcorp
Classification: Pathogenic for Fanconi anemia. Last evaluated: 2021-10-12. Review status: criteria provided, single submitter. Criteria: Invitae Variant Classification Sherloc (09022015). Collection method: clinical testing. Allele origin: germline.
Comment: For these reasons, this variant has been classified as Pathogenic. This variant has not been reported in the literature in individuals affected with FANCL-related conditions. This variant is a gross deletion of the genomic region encompassing exon(s) 6-7 of the FANCL gene. This deletion is out-of-frame, and is expected to create a premature termination codon and result in an absent or disrupted protein product. Loss-of-function variants in FANCL are known to be pathogenic (PMID: 19405097, 23613520).

Literature cited by the submitters: PubMed 19405097; PubMed 23613520.

NC_000002.11:g.(?_58425719)_(58433394_?)del

Gene: FANCL (FA complementation group L; minus strand). Cytogenetic location: 2p16.1.
Variant type: Deletion.
Identifiers: ClinVar variation 1456615 (VCV001456615.4).